The following is an entry in ClinVar:

NM_182972.3(IRF2BP2):c.457G>A (p.Val153Met)

Genes: IRF2BP2 (interferon regulatory factor 2 binding protein 2; minus strand), LOC129932812 (ATAC-STARR-seq lymphoblastoid silent region 1977; plus strand). Cytogenetic location: 1q42.3.
Variant type: single nucleotide variant.
Coding change: c.457G>A on transcript NM_182972.3 (MANE Select); coding-DNA position 457, G replaced by A.
Protein change: p.Val153Met; replaces valine 153 with methionine.
Molecular consequence: missense variant.
Genome position (GRCh38, 1-based): chr1:234,609,038, C>T on the plus strand (G>A on the coding strand, the complement: IRF2BP2 is on the minus strand). VCF-style: chr1-234609038-C-T. GRCh37 (hg19) VCF-style: chr1-234744784-C-T.
Other names: c.457G>A, p.Val153Met (NM_001077397.1); short protein forms V153M.
Identifiers: ClinVar variation 4776478 (VCV004776478.1).
Genomic context (GRCh38, chr1:234,609,038, plus strand): 5'-GATTCAGCTCGGGCGGCTCCTCTAGCTTGGAGAAGCCGTTGGGCACCAGGATGCCGTTCA[C>T]GGGCGGCGGCTGCGGCGTCGGCGGCTGGGCCAGGCTCGCTGCCGGGCGGCTGCTGCCGAA-3'
Protein context (NP_892017.2, residues 143-163): AQPPTPQPPP[Val153Met]NGILVPNGFS

ClinVar aggregate classification (germline): Uncertain significance (1 of 4 stars; one submission).

Submission:

Labcorp Genetics (formerly Invitae), Labcorp
Classification: Uncertain significance. Last evaluated: 2026-01-24. Review status: criteria provided, single submitter. Criteria: Invitae Variant Classification Sherloc (09022015). Collection method: clinical testing. Allele origin: germline.
Comment: This sequence change replaces valine, which is neutral and non-polar, with methionine, which is neutral and non-polar, at codon 153 of the IRF2BP2 protein (p.Val153Met). This variant is not present in population databases (gnomAD no frequency). This variant has not been reported in the literature in individuals affected with IRF2BP2-related conditions. An algorithm developed to predict the effect of missense changes on protein structure and function (PolyPhen-2) suggests that this variant is likely to be tolerated. In summary, the available evidence is currently insufficient to determine the role of this variant in disease. Therefore, it has been classified as a Variant of Uncertain Significance.